The following is an entry in ClinVar:

NM_006767.4(LZTR1):c.1260G>C (p.Gln420His)

Gene: LZTR1 (leucine zipper like post translational regulator 1; plus strand). Cytogenetic location: 22q11.21.
Variant type: single nucleotide variant.
Coding change: c.1260G>C on transcript NM_006767.4 (MANE Select); coding-DNA position 1260, G replaced by C.
Protein change: p.Gln420His; replaces glutamine 420 with histidine.
Molecular consequence: missense variant.
Genome position (GRCh38, 1-based): chr22:20,992,904, G>C. VCF-style: chr22-20992904-G-C. GRCh37 (hg19) VCF-style: chr22-21347193-G-C.
Other names: c.1260G>C (NM_006767.3); short protein forms Q420H.
Identifiers: ClinVar variation 2199322 (VCV002199322.7), dbSNP rs1168913250, ClinGen allele CA410774186.
Genomic context (GRCh38, chr22:20,992,904, plus strand): 5'-GTACATCTTCGGGGGCACGGTGGACAACAACATCCGCAGCGGGGAGATGTACAGGTTCCA[G>C]GTGTGGGGCCTGTGGGCCTGTAGAGCCGGCTGGGTGGACGGATCCCCCGTGATGAGAAAC-3'
Protein context (NP_006758.2, residues 410-430): NIRSGEMYRF[Gln420His]FSCYPKCTLH

ClinVar aggregate classification (germline): Uncertain significance. Review status: criteria provided, multiple submitters, no conflicts (2 of 4 stars). 4 submissions from 4 submitters: Uncertain significance (4). Last evaluated 2026-03-26.

Conditions:
Cardiovascular phenotype. Identifiers: MedGen CN230736.
Hereditary cancer-predisposing syndrome. Also called: Neoplastic Syndromes, Hereditary; Tumor predisposition; Hereditary neoplastic syndrome; Hereditary Cancer Syndrome. Identifiers: Orphanet 140162, MedGen C0027672, MeSH D009386, MONDO:0015356.

gnomAD v4.1: 4 of 1,586,834 alleles (0.00025%); highest among the groups gnomAD compares: African/African-American, 0.0027%; no homozygotes.

Submissions (4):

GeneDx
Classification: Uncertain significance. Last evaluated: 2026-03-26. Review status: criteria provided, single submitter. Criteria: GeneDx Variant Classification Process June 2021. Collection method: clinical testing. Allele origin: germline.
Comment: In silico analysis supports that this missense variant has a deleterious effect on protein structure/function; Not observed at significant frequency in large population cohorts (gnomAD); In silico analysis supports a deleterious effect on splicing; This variant is associated with the following publications: (PMID: 30859559)

Labcorp Genetics (formerly Invitae), Labcorp
Classification: Uncertain significance. Last evaluated: 2025-10-26. Review status: criteria provided, single submitter. Criteria: Invitae Variant Classification Sherloc (09022015). Collection method: clinical testing. Allele origin: germline.
Comment: This sequence change replaces glutamine, which is neutral and polar, with histidine, which is basic and polar, at codon 420 of the LZTR1 protein (p.Gln420His). This variant also falls at the last nucleotide of exon 11, which is part of the consensus splice site for this exon. This variant is not present in population databases (gnomAD no frequency). This variant has not been reported in the literature in individuals affected with LZTR1-related conditions. ClinVar contains an entry for this variant (Variation ID: 2199322). An algorithm developed to predict the effect of missense changes on protein structure and function (PolyPhen-2) suggests that this variant is likely to be disruptive. Variants that disrupt the consensus splice site are a relatively common cause of aberrant splicing (PMID: 17576681, 9536098). Algorithms developed to predict the effect of sequence changes on RNA splicing suggest that this variant may disrupt the consensus splice site. In summary, the available evidence is currently insufficient to determine the role of this variant in disease. Therefore, it has been classified as a Variant of Uncertain Significance.

Ambry Genetics
Classification: Uncertain significance for Cardiovascular phenotype; Hereditary cancer-predisposing syndrome. Last evaluated: 2024-07-23. Review status: criteria provided, single submitter. Criteria: Ambry Variant Classification Scheme 2023. Collection method: clinical testing. Allele origin: germline.
Comment: The c.1260G>C variant (also known as p.Q420H), located in coding exon 11 of the LZTR1 gene, results from a G to C substitution at nucleotide position 1260. The amino acid change results in glutamine to histidine at codon 420, an amino acid with highly similar properties. However, this change occurs in the last base pair of coding exon 11, which makes it likely to have some effect on normal mRNA splicing. The nucleotide and amino acid positions are highly conserved in available vertebrate species. In silico splice site analysis predicts that this alteration will weaken the native splice donor site and may result in the creation or strengthening of a novel splice donor site. In addition, as a missense substitution, the in silico prediction for this alteration is inconclusive. Based on the available evidence, the clinical significance of this variant remains unclear.

Blueprint Genetics
Classification: Uncertain significance. Last evaluated: 2024-03-21. Review status: criteria provided, single submitter. Criteria: ACMG Guidelines, 2015. Collection method: clinical testing. Allele origin: germline.

Literature cited by the submitters: PubMed 17576681 (cited by Labcorp Genetics (formerly Invitae), Labcorp); PubMed 9536098 (cited by Labcorp Genetics (formerly Invitae), Labcorp).